The following is an entry in ClinVar:

NM_000787.4(DBH):c.274C>T (p.Arg92Cys)

Gene: DBH (dopamine beta-hydroxylase; plus strand). Cytogenetic location: 9q34.2.
Variant type: single nucleotide variant.
Coding change: c.274C>T on transcript NM_000787.4 (MANE Select); coding-DNA position 274, C replaced by T.
Protein change: p.Arg92Cys; replaces arginine 92 with cysteine.
Molecular consequence: missense variant.
Genome position (GRCh38, 1-based): chr9:133,636,645, C>T. VCF-style: chr9-133636645-C-T. GRCh37 (hg19) VCF-style: chr9-136501767-C-T.
Other names: c.274C>T (NM_000787.3); short protein forms R92C.
Identifiers: ClinVar variation 1493996 (VCV001493996.8), dbSNP rs141137998, ClinGen allele CA5312992.

ClinVar aggregate classification (germline): Uncertain significance. Review status: criteria provided, multiple submitters, no conflicts (2 of 4 stars). 2 submissions from 2 submitters: Uncertain significance (2). Last evaluated 2025-08-24.

Conditions:
Inborn genetic diseases. Identifiers: MedGen C0950123, MeSH D030342.
Orthostatic hypotension 1 (ORTHYP1). Also called: NORADRENALINE DEFICIENCY; NOREPINEPHRINE DEFICIENCY; Dopamine beta-hydroxylase deficiency; Orthostatic hypotension 1, due to DBH deficiency. Identifiers: Orphanet 230, MedGen C4746777, MONDO:0009123, OMIM 223360.

Allele frequency attached by ClinVar (database versions not stated): gnomAD 0.00003; ESP Exome Variant Server 0.00015.

Submissions (2):

Ambry Genetics
Classification: Uncertain significance for Inborn genetic diseases. Last evaluated: 2025-08-24. Review status: criteria provided, single submitter. Criteria: Ambry Variant Classification Scheme 2023. Collection method: clinical testing. Allele origin: germline.

Labcorp Genetics (formerly Invitae), Labcorp
Classification: Uncertain significance for Orthostatic hypotension 1. Last evaluated: 2022-08-19. Review status: criteria provided, single submitter. Criteria: Invitae Variant Classification Sherloc (09022015). Collection method: clinical testing. Allele origin: germline.
Comment: This sequence change replaces arginine, which is basic and polar, with cysteine, which is neutral and slightly polar, at codon 92 of the DBH protein (p.Arg92Cys). This variant is present in population databases (rs141137998, gnomAD 0.009%). This variant has not been reported in the literature in individuals affected with DBH-related conditions. ClinVar contains an entry for this variant (Variation ID: 1493996). Algorithms developed to predict the effect of missense changes on protein structure and function are either unavailable or do not agree on the potential impact of this missense change (SIFT: "Deleterious"; PolyPhen-2: "Probably Damaging"; Align-GVGD: "Class C15"). In summary, the available evidence is currently insufficient to determine the role of this variant in disease. Therefore, it has been classified as a Variant of Uncertain Significance.